The following is an entry in ClinVar:

ClinVar aggregate classification (germline): Uncertain significance (1 of 4 stars; one submission).

Conditions:
Inborn genetic diseases. Identifiers: MedGen C0950123, MeSH D030342.

Submission:

Ambry Genetics
Classification: Uncertain significance for Inborn genetic diseases. Last evaluated: 2025-01-20. Review status: criteria provided, single submitter. Criteria: Ambry Variant Classification Scheme 2023. Collection method: clinical testing. Allele origin: germline.
Comment: The p.L758I variant (also known as c.2272T>A), located in coding exon 1 of the SAMD9L gene, results from a T to A substitution at nucleotide position 2272. The leucine at codon 758 is replaced by isoleucine, an amino acid with highly similar properties. This amino acid position is conserved. In addition, this alteration is predicted to be tolerated by in silico analysis. Based on the available evidence, the clinical significance of this variant remains unclear.

NM_152703.5(SAMD9L):c.2272T>A (p.Leu758Ile)

Gene: SAMD9L (sterile alpha motif domain containing 9 like; minus strand). Cytogenetic location: 7q21.2.
Variant type: single nucleotide variant.
Coding change: c.2272T>A on transcript NM_152703.5 (MANE Select); coding-DNA position 2272, T replaced by A.
Protein change: p.Leu758Ile; replaces leucine 758 with isoleucine.
Molecular consequence: missense variant.
Genome position (GRCh38, 1-based): chr7:93,133,700, A>T on the plus strand (T>A on the coding strand, the complement: SAMD9L is on the minus strand). VCF-style: chr7-93133700-A-T. GRCh37 (hg19) VCF-style: chr7-92763013-A-T.
Other names: c.2272T>A, p.Leu758Ile (NM_001303496.3, NM_001303497.3, NM_001303498.3 and 5 more transcripts); short protein forms L758I.
Identifiers: ClinVar variation 3792336 (VCV003792336.1).